The following is an entry in ClinVar:

ClinVar aggregate classification (germline): Conflicting classifications of pathogenicity. Review status: criteria provided, conflicting classifications (1 of 4 stars). 2 submissions from 2 submitters: Uncertain significance (1); Likely benign (1). Last evaluated 2024-12-03.

Conditions:
Pyruvate dehydrogenase E2 deficiency (PDHDD). Also called: LACTIC ACIDEMIA DUE TO DEFECT OF E2 LIPOYL TRANSACETYLASE OF THE PYRUVATE DEHYDROGENASE COMPLEX; Dihydrolipoamide Acetyltransferase (E2) Deficiency. Identifiers: Orphanet 765, Orphanet 79244, MedGen C1855565, MONDO:0009502, OMIM 245348.

Submissions (2):

Labcorp Genetics (formerly Invitae), Labcorp
Classification: Likely benign for Pyruvate dehydrogenase E2 deficiency. Last evaluated: 2024-12-03. Review status: criteria provided, single submitter. Criteria: Invitae Variant Classification Sherloc (09022015). Collection method: clinical testing. Allele origin: germline.

GeneDx
Classification: Uncertain significance. Last evaluated: 2024-07-30. Review status: criteria provided, single submitter. Criteria: GeneDx Variant Classification Process June 2021. Collection method: clinical testing. Allele origin: germline. Affected: yes.
Comment: Not observed at significant frequency in large population cohorts (gnomAD); In silico analysis indicates that this variant does not alter protein structure/function; Has not been previously published as pathogenic or benign to our knowledge

NM_001931.5(DLAT):c.953_954inv (p.Val318Ala)

Gene: DLAT (dihydrolipoamide S-acetyltransferase; plus strand). Cytogenetic location: 11q23.1.
Variant type: Inversion.
Coding change: c.953_954inv on transcript NM_001931.5 (MANE Select).
Protein change: p.Val318Ala; replaces valine 318 with alanine.
Molecular consequence: missense variant. On other transcripts: intron variant (2).
Genome position: GRCh38 VCF-style: chr11-112037438-TG-CA. GRCh37 (hg19) VCF-style: chr11-111908162-TG-CA.
Other names: c.953_954inv, p.Val318Ala (NM_001372031.1, NM_001372032.1, NM_001372033.1 and 1 more transcripts); c.920_921inv, p.Val307Ala (NM_001372034.1); c.827_828inv, p.Val276Ala (NM_001372036.1); c.785_786inv, p.Val262Ala (NM_001372037.1); c.674_675inv, p.Val225Ala (NM_001372038.1); c.572_573inv, p.Val191Ala (NM_001372040.1); c.491_492inv, p.Val164Ala (NM_001372042.1); c.661-1806_661-1805inv (NM_001372039.1, NM_001372041.1); short protein forms V164A, V191A, V225A, V262A, V276A, V307A, V318A.
Identifiers: ClinVar variation 3602442 (VCV003602442.3).
Genomic context (GRCh38, chr11:112,037,438, plus strand): 5'-CAGATATATCAGCATTTGCTGACTATAGGCCAACCGAAGTAACAGATTTAAAACCACAAG[TG>CA]CCACCACCTACCCCACCCCCGGTAGGTATGCTTCTAGAATTCAGGAAACACTTACCTTGT-3'
Protein context (NP_001922.2, residues 308-328): PTEVTDLKPQ[Val318Ala]PPPTPPPVAA